The following is an entry in ClinVar:

ClinVar aggregate classification (germline): Likely benign. Review status: criteria provided, single submitter (1 of 4 stars). 2 submissions from 2 submitters: Likely benign (1). 1 of the submissions does not count toward it. Last evaluated 2026-01-26.

Conditions:
PDSS1-related disorder. Also called: PDSS1-related condition.

Submissions (2):

Labcorp Genetics (formerly Invitae), Labcorp
Classification: Likely benign. Last evaluated: 2026-01-26. Review status: criteria provided, single submitter. Criteria: Invitae Variant Classification Sherloc (09022015). Collection method: clinical testing. Allele origin: germline.

PreventionGenetics, part of Exact Sciences
Classification: Likely benign for PDSS1-related condition. Last evaluated: 2021-02-23. Review status: no assertion criteria provided. Collection method: clinical testing. Allele origin: germline. Not counted in ClinVar's aggregate classification.
Comment: This variant is classified as likely benign based on ACMG/AMP sequence variant interpretation guidelines (Richards et al. 2015 PMID: 25741868, with internal and published modifications).

NM_014317.5(PDSS1):c.1108-7_1108-3dup

Gene: PDSS1 (decaprenyl diphosphate synthase subunit 1; plus strand). Cytogenetic location: 10p12.1.
Variant type: Duplication.
Coding change: c.1108-7_1108-3dup on transcript NM_014317.5 (MANE Select); 7 bases into the intron before coding-DNA position 1108 through 3 bases into the intron before coding-DNA position 1108, 5 bases duplicated (CTTAT; older notation c.1108-7_1108-3dupCTTAT).
Molecular consequence: intron variant.
Genome position (GRCh38, 1-based): chr10:26,746,326-26,746,330, CTTAT duplicated; duplicating any 5 consecutive bases within chr10:26,746,323-26,746,330 gives the same sequence; the c. name uses the placement nearest the transcript's 3' end. VCF-style (leftmost placement, unchanged base first): chr10-26746322-G-GTATCT. GRCh37 (hg19) VCF-style: chr10-27035251-G-GTATCT.
Other names: c.598-7_598-3dup (NM_001321979.2); c.917-7_917-3dup (NM_001321978.2).
Identifiers: ClinVar variation 3031266 (VCV003031266.3), dbSNP rs1554799867, ClinGen allele CA5447150.